The following is an entry in ClinVar:

ClinVar aggregate classification (germline): Uncertain significance. Review status: criteria provided, multiple submitters, no conflicts (2 of 4 stars). 4 submissions from 4 submitters: Uncertain significance (4). Last evaluated 2025-09-15.

Conditions:
DIAPH1-related disorder. Also called: DIAPH1-related condition.
Progressive microcephaly-seizures-cortical blindness-developmental delay syndrome. Also called: Seizures, cortical blindness, and microcephaly syndrome. Identifiers: Orphanet 477814, MedGen C5567650, MONDO:0014714, OMIM 616632.
Autosomal dominant nonsyndromic hearing loss 1. Also called: DEAFNESS, AUTOSOMAL DOMINANT 1, WITH OR WITHOUT THROMBOCYTOPENIA; KONIGSMARK SYNDROME. Identifiers: Orphanet 90635, MedGen C1852282, MONDO:0007424, OMIM 124900.

Allele frequency attached by ClinVar (database versions not stated): gnomAD exomes below 0.00001; gnomAD 0.00001; TOPMed 0.00001.
gnomAD v4.1: 72 of 1,613,918 alleles (0.0045%); highest among the groups gnomAD compares: Middle Eastern, 0.016%; no homozygotes.

Submissions (4):

Labcorp Genetics (formerly Invitae), Labcorp
Classification: Uncertain significance for Progressive microcephaly-seizures-cortical blindness-developmental delay syndrome; Autosomal dominant nonsyndromic hearing loss 1. Last evaluated: 2025-09-15. Review status: criteria provided, single submitter. Criteria: Invitae Variant Classification Sherloc (09022015). Collection method: clinical testing. Allele origin: germline.
Comment: This sequence change replaces isoleucine, which is neutral and non-polar, with valine, which is neutral and non-polar, at codon 570 of the DIAPH1 protein (p.Ile570Val). This variant is present in population databases (no rsID available, gnomAD 0.003%). This variant has not been reported in the literature in individuals affected with DIAPH1-related conditions. ClinVar contains an entry for this variant (Variation ID: 281755). An algorithm developed to predict the effect of missense changes on protein structure and function outputs the following: PolyPhen-2: "Not Available". The valine amino acid residue is found in multiple mammalian species, which suggests that this missense change does not adversely affect protein function. In summary, the available evidence is currently insufficient to determine the role of this variant in disease. Therefore, it has been classified as a Variant of Uncertain Significance.

PreventionGenetics, part of Exact Sciences
Classification: Uncertain significance for DIAPH1-related condition. Last evaluated: 2025-06-18. Review status: criteria provided, single submitter. Criteria: ACMG Guidelines, 2015. Collection method: clinical testing. Allele origin: germline.
Comment: The DIAPH1 c.1708A>G variant is predicted to result in the amino acid substitution p.Ile570Val. To our knowledge, this variant has not been reported in the literature. This variant is reported in 0.0029% of alleles in individuals of Latino descent in gnomAD. At this time, the clinical significance of this variant is uncertain due to the absence of conclusive functional and genetic evidence.

GeneDx
Classification: Uncertain significance. Last evaluated: 2024-05-17. Review status: criteria provided, single submitter. Criteria: GeneDx Variant Classification Process June 2021. Collection method: clinical testing. Allele origin: germline. Affected: yes.
Comment: Not observed at significant frequency in large population cohorts (gnomAD); In silico analysis indicates that this missense variant does not alter protein structure/function; Has not been previously published as pathogenic or benign to our knowledge

Eurofins Ntd Llc (ga)
Classification: Uncertain significance. Last evaluated: 2015-07-28. Review status: criteria provided, single submitter. Criteria: EGL Classification Definitions 2015. Collection method: clinical testing. Allele origin: germline. Observed: 1 variant allele, 1 heterozygote.

NM_005219.5(DIAPH1):c.1708A>G (p.Ile570Val)

Gene: DIAPH1 (diaphanous related formin 1; minus strand). Cytogenetic location: 5q31.3.
Variant type: single nucleotide variant.
Coding change: c.1708A>G on transcript NM_005219.5 (MANE Select); coding-DNA position 1708, A replaced by G.
Protein change: p.Ile570Val; replaces isoleucine 570 with valine.
Molecular consequence: missense variant.
Genome position (GRCh38, 1-based): chr5:141,574,142, T>C on the plus strand (A>G on the coding strand, the complement: DIAPH1 is on the minus strand). VCF-style: chr5-141574142-T-C. GRCh37 (hg19) VCF-style: chr5-140953709-T-C.
Other names: c.1681A>G, p.Ile561Val (NM_001079812.3); c.1708A>G, p.Ile570Val (NM_001314007.2); c.1708A>G (NM_005219.4); short protein forms I570V, I561V.
Identifiers: ClinVar variation 281755 (VCV000281755.11), dbSNP rs886042233, ClinGen allele CA10603967.
Genomic context (GRCh38, chr5:141,574,142, plus strand): 5'-CAGGTAAAGGAGGGGCAGGGGGAACAGGAGCACGACTAGGAACAGAAGGAGGTACAGTAA[T>C]AGCTGCCGCAGAGAGGGAAGCCATTTCTTTCTTGGCATCTTCCAGTTCCTTTGTCAGCTT-3'
Protein context (NP_005210.3, residues 560-580): KEMASLSAAA[Ile570Val]TVPPSVPSRA